The following is an entry in ClinVar:

ClinVar aggregate classification (germline): Benign/Likely benign. Review status: criteria provided, multiple submitters, no conflicts (2 of 4 stars). 9 submissions from 9 submitters: Benign (4); Likely benign (3). 2 of the submissions do not count toward it. Last evaluated 2026-02-04.

Conditions:
Hepatoencephalopathy due to combined oxidative phosphorylation defect type 1. Also called: HEPATOENCEPHALOPATHY, EARLY FATAL PROGRESSIVE. Identifiers: Orphanet 137681, MedGen C1836797, MONDO:0012191, OMIM 609060.

Allele frequency attached by ClinVar (database versions not stated): 1000 Genomes Project 30x 0.00656; 1000 Genomes Project 0.00699; TOPMed 0.01055; ESP Exome Variant Server 0.01422; gnomAD 0.01464 and 0.01504; gnomAD exomes 0.01683; ExAC 0.01769.
gnomAD v4.1: 28,183 of 1,613,648 alleles (1.7%); highest among the groups gnomAD compares: Non-Finnish European, 1.9%; 331 homozygotes.

Submissions (9):

Labcorp Genetics (formerly Invitae), Labcorp
Classification: Benign. Last evaluated: 2026-02-04. Review status: criteria provided, single submitter. Criteria: Invitae Variant Classification Sherloc (09022015). Collection method: clinical testing. Allele origin: germline.

Blueprint Genetics
Classification: Likely benign. Last evaluated: 2024-11-26. Review status: criteria provided, single submitter. Criteria: ACMG Guidelines, 2015. Collection method: clinical testing. Allele origin: germline.

ARUP Laboratories, Molecular Genetics and Genomics, ARUP Laboratories
Classification: Benign for Hepatoencephalopathy due to combined oxidative phosphorylation defect type 1. Last evaluated: 2023-11-22. Review status: criteria provided, single submitter. Criteria: ARUP Molecular Germline Variant Investigation Process 2024. Collection method: clinical testing. Allele origin: germline.

Illumina Laboratory Services, Illumina
Classification: Benign for Hepatoencephalopathy due to combined oxidative phosphorylation defect type 1. Last evaluated: 2018-01-13. Review status: criteria provided, single submitter. Criteria: ICSL Variant Classification Criteria 13 December 2019. Collection method: clinical testing. Allele origin: germline.
Comment: This variant was observed in the ICSL laboratory as part of a predisposition screen in an ostensibly healthy population. It had not been previously curated by ICSL or reported in the Human Gene Mutation Database (HGMD: prior to June 1st, 2018), and was therefore a candidate for classification through an automated scoring system. Utilizing variant allele frequency, disease prevalence and penetrance estimates, and inheritance mode, an automated score was calculated to assess if this variant is too frequent to cause the disease. Based on the score and internal cut-off values, a variant classified as benign is not then subjected to further curation. The score for this variant resulted in a classification of benign for this disease.

Laboratory for Molecular Medicine, Mass General Brigham Personalized Medicine
Classification: Likely benign. Last evaluated: 2016-03-29. Review status: criteria provided, single submitter. Criteria: LMM Criteria. Collection method: clinical testing. Allele origin: germline.
Comment: Variant identified in a genome or exome case(s) and assessed due to predicted null impact of the variant or pathogenic assertions in the literature or databases. Disclaimer: This variant has not undergone full assessment. The following are preliminary notes: Frequency, gene associated with combined oxidative phosphorylation deficiency

GeneDx
Classification: Benign. Last evaluated: 2013-04-09. Review status: criteria provided, single submitter. Criteria: GeneDx Variant Classification (06012015). Collection method: clinical testing. Allele origin: germline. Affected: yes.
Comment: This variant is considered likely benign or benign based on one or more of the following criteria: it is a conservative change, it occurs at a poorly conserved position in the protein, it is predicted to be benign by multiple in silico algorithms, and/or has population frequency not consistent with disease.

Breakthrough Genomics
Classification: Likely benign. Review status: criteria provided, single submitter. Criteria: ACMG Guidelines, 2015. Collection method: not provided. Allele origin: germline. Inheritance: Autosomal recessive inheritance. Affected: yes.

Natera, Inc.
Classification: Benign for Combined oxidative phosphorylation deficiency 1. Last evaluated: 2019-12-06. Review status: no assertion criteria provided. Collection method: clinical testing. Allele origin: germline. Not counted in ClinVar's aggregate classification.

Mayo Clinic Laboratories, Mayo Clinic
Classification: Likely benign. Last evaluated: 2016-02-23. Review status: no assertion criteria provided. Collection method: clinical testing. Allele origin: unknown. Not counted in ClinVar's aggregate classification.

NM_024996.7(GFM1):c.1990G>A (p.Val664Ile)

Gene: GFM1 (G elongation factor mitochondrial 1; plus strand). Cytogenetic location: 3q25.32.
Variant type: single nucleotide variant.
Coding change: c.1990G>A on transcript NM_024996.7 (MANE Select); coding-DNA position 1990, G replaced by A.
Protein change: p.Val664Ile; replaces valine 664 with isoleucine.
Molecular consequence: missense variant. On other transcripts: non-coding transcript variant (4).
Genome position (GRCh38, 1-based): chr3:158,690,243, G>A. VCF-style: chr3-158690243-G-A. GRCh37 (hg19) VCF-style: chr3-158408032-G-A.
Other names: p.V664I:GTA>ATA; c.2047G>A, p.Val683Ile (NM_001308164.2); c.1909G>A, p.Val637Ile (NM_001374355.1); c.1873G>A, p.Val625Ile (NM_001374356.1); c.1765G>A, p.Val589Ile (NM_001374357.1); c.1531G>A, p.Val511Ile (NM_001374358.1); c.1423G>A, p.Val475Ile (NM_001374359.1, NM_001374360.1); c.1306G>A, p.Val436Ile (NM_001374361.1); short protein forms V664I, V683I, V436I, V475I, V511I, V589I, V625I, V637I.
Identifiers: ClinVar variation 137466 (VCV000137466.31), dbSNP rs62288347, ClinGen allele CA291065.